The following is an entry in ClinVar:

NM_002471.4(MYH6):c.784G>A (p.Ala262Thr)

Gene: MYH6 (myosin heavy chain 6; minus strand). Cytogenetic location: 14q11.2.
Variant type: single nucleotide variant.
Coding change: c.784G>A on transcript NM_002471.4 (MANE Select); coding-DNA position 784, G replaced by A.
Protein change: p.Ala262Thr; replaces alanine 262 with threonine.
Molecular consequence: missense variant.
Genome position (GRCh38, 1-based): chr14:23,403,730, C>T on the plus strand (G>A on the coding strand, the complement: MYH6 is on the minus strand). VCF-style: chr14-23403730-C-T. GRCh37 (hg19) VCF-style: chr14-23872939-C-T.
Other names: short protein forms A262T.
Identifiers: ClinVar variation 3915594 (VCV003915594.2).

ClinVar aggregate classification (germline): Uncertain significance. Review status: criteria provided, multiple submitters, no conflicts (2 of 4 stars). 2 submissions from 2 submitters: Uncertain significance (2). Last evaluated 2025-07-21.

Conditions:
Cardiovascular phenotype. Identifiers: MedGen CN230736.
Hypertrophic cardiomyopathy 14. Identifiers: MedGen C2750467, MONDO:0013197, OMIM 613251.

gnomAD v4.1: 7 of 1,612,928 alleles (0.00043%); highest among the groups gnomAD compares: Non-Finnish European, 0.00059%; no homozygotes.

Submissions (2):

Labcorp Genetics (formerly Invitae), Labcorp
Classification: Uncertain significance for Hypertrophic cardiomyopathy 14. Last evaluated: 2025-07-21. Review status: criteria provided, single submitter. Criteria: Invitae Variant Classification Sherloc (09022015). Collection method: clinical testing. Allele origin: germline.
Comment: This sequence change replaces alanine, which is neutral and non-polar, with threonine, which is neutral and polar, at codon 262 of the MYH6 protein (p.Ala262Thr). This variant is present in population databases (no rsID available, gnomAD 0.0009%). This variant has not been reported in the literature in individuals affected with MYH6-related conditions. Invitae Evidence Modeling of protein sequence and biophysical properties (such as structural, functional, and spatial information, amino acid conservation, physicochemical variation, residue mobility, and thermodynamic stability) indicates that this missense variant is expected to disrupt MYH6 protein function with a positive predictive value of 80%. In summary, the available evidence is currently insufficient to determine the role of this variant in disease. Therefore, it has been classified as a Variant of Uncertain Significance.

Ambry Genetics
Classification: Uncertain significance for Cardiovascular phenotype. Last evaluated: 2025-04-24. Review status: criteria provided, single submitter. Criteria: Ambry Variant Classification Scheme 2023. Collection method: clinical testing. Allele origin: germline.
Comment: The p.A262T variant (also known as c.784G>A), located in coding exon 7 of the MYH6 gene, results from a G to A substitution at nucleotide position 784. The alanine at codon 262 is replaced by threonine, an amino acid with similar properties. This amino acid position is conserved. In addition, this alteration is predicted to be deleterious by in silico analysis. Based on the available evidence, the clinical significance of this variant remains unclear.